The following is an entry in ClinVar:

ClinVar aggregate classification (germline): Uncertain significance. Review status: criteria provided, multiple submitters, no conflicts (2 of 4 stars). 2 submissions from 2 submitters: Uncertain significance (2). Last evaluated 2025-02-05.

Conditions:
Developmental and epileptic encephalopathy, 32 (DEE32). Also called: Epileptic encephalopathy, early infantile, 32. Identifiers: Orphanet 442835, MedGen C4225350, MONDO:0014607, OMIM 616366.

Submissions (2):

Victorian Clinical Genetics Services, Murdoch Childrens Research Institute
Classification: Uncertain significance for Developmental and epileptic encephalopathy, 32. Last evaluated: 2025-02-05. Review status: criteria provided, single submitter. Criteria: ACMG Guidelines, 2015. Collection method: clinical testing. Allele origin: germline. Affected: yes.
Comment: This variant is classified as VUS-3A. Evidence in support of pathogenic classification: Variant is absent from gnomAD (v2, v3 and v4); Missense variant predicted to be damaging by in silico tool(s) or highly conserved with a major amino acid change. Additional information: Variant is predicted to result in a missense amino acid change from alanine to threonine; This variant is heterozygous; This gene is associated with autosomal dominant disease; This variant has no previous evidence of pathogenicity; No published segregation evidence has been identified for this variant; No published functional evidence has been identified for this variant; Another missense variant(s) comparable to the one identified in this case has inconclusive previous evidence for pathogenicity. p.(Ala368Glu) has been classified once as VUS by a clinical laboratory. It was observed in a heterozygous infant with unprovoked generalized tonic seizures (ClinVar, personal communication); Variant is located in the annotated ion transport protein family domain (DECIPHER); Dominant negative, loss of function and gain of function are known mechanisms of disease in this gene and are all associated with developmental and epileptic encephalopathy 32 (MIM#616366). Some missense variants have been reported to have multiple mechanisms simultaneously (PMID: 33802230, 29050392); Variants in this gene are known to have variable expressivity. Intrafamilial variability has been reported (PMID: 33802230); Inheritance information for this variant is not currently available in this individual.

Blueprint Genetics
Classification: Uncertain significance. Last evaluated: 2022-03-25. Review status: criteria provided, single submitter. Criteria: ACMG Guidelines, 2015. Collection method: clinical testing. Allele origin: germline.

Literature cited by the submitters: PubMed 33802230 (cited by Victorian Clinical Genetics Services, Murdoch Childrens Research Institute); PubMed 29050392 (cited by Victorian Clinical Genetics Services, Murdoch Childrens Research Institute).

NM_004974.4(KCNA2):c.1102G>A (p.Ala368Thr)

Gene: KCNA2 (potassium voltage-gated channel subfamily A member 2; minus strand). Cytogenetic location: 1p13.3.
Variant type: single nucleotide variant.
Coding change: c.1102G>A on transcript NM_004974.4 (MANE Select); coding-DNA position 1102, G replaced by A.
Protein change: p.Ala368Thr; replaces alanine 368 with threonine.
Molecular consequence: missense variant. On other transcripts: intron variant (1).
Genome position (GRCh38, 1-based): chr1:110,603,681, C>T on the plus strand (G>A on the coding strand, the complement: KCNA2 is on the minus strand). VCF-style: chr1-110603681-C-T. GRCh37 (hg19) VCF-style: chr1-111146303-C-T.
Other names: c.894+208G>A (NM_001204269.2); short protein forms A368T.
Identifiers: ClinVar variation 4531682 (VCV004531682.2).
Genomic context (GRCh38, chr1:110,603,681, plus strand): 5'-TTCCCCCAATGGTAGTCGGAACCATGTCTCCATAGCCTACAGTTGTCATGGAGACGACTG[C>T]CCACCAGAAGGCATCTGGGATGCTGGGGAACTGGGACTCTCGCTCATCGGCCTCTGCAAA-3'
Protein context (NP_004965.1, residues 358-378): FPSIPDAFWW[Ala368Thr]VVSMTTVGYG